The following is an entry in ClinVar:

ClinVar aggregate classification (germline): Benign (1 of 4 stars; one submission).

Allele frequency attached by ClinVar (database versions not stated): 1000 Genomes Project 30x 0.20191; 1000 Genomes Project 0.20527; TOPMed 0.21562; gnomAD 0.21716 and 0.22063.
gnomAD v4.1: 33,290 of 150,518 alleles (22%); highest among the groups gnomAD compares: Middle Eastern, 38%; 4,251 homozygotes.

Submission:

GeneDx
Classification: Benign. Last evaluated: 2018-06-14. Review status: criteria provided, single submitter. Criteria: GeneDx Variant Classification (06012015). Collection method: clinical testing. Allele origin: germline. Affected: yes.
Comment: This variant is considered likely benign or benign based on one or more of the following criteria: it is a conservative change, it occurs at a poorly conserved position in the protein, it is predicted to be benign by multiple in silico algorithms, and/or has population frequency not consistent with disease.

NM_018122.5(DARS2):c.127+303C>T

Gene: DARS2 (aspartyl-tRNA synthetase 2, mitochondrial; plus strand). Cytogenetic location: 1q25.1.
Variant type: single nucleotide variant.
Coding change: c.127+303C>T on transcript NM_018122.5 (MANE Select); 303 bases into the intron after coding-DNA position 127, C replaced by T.
Molecular consequence: intron variant.
Genome position (GRCh38, 1-based): chr1:173,825,659, C>T. VCF-style: chr1-173825659-C-T. GRCh37 (hg19) VCF-style: chr1-173794797-C-T.
Other names: c.127+303C>T (NM_001365212.1, NM_001365213.2).
Identifiers: ClinVar variation 669478 (VCV000669478.1), dbSNP rs74415834, ClinGen allele CA10743893.